The following is an entry in ClinVar:

ClinVar aggregate classification (germline): Benign. Review status: criteria provided, multiple submitters, no conflicts (2 of 4 stars). 5 submissions from 4 submitters: Benign (5). Last evaluated 2021-07-10.

Conditions:
Autosomal recessive nonsyndromic hearing loss 18A. Also called: Deafness, autosomal recessive 18A; DEAFNESS, AUTOSOMAL RECESSIVE 18. Identifiers: Orphanet 90636, MedGen C1865870, MONDO:0011192, OMIM 602092.
Usher syndrome type 1C. Also called: USHER SYNDROME, TYPE I, ACADIAN VARIETY. Identifiers: Orphanet 231169, Orphanet 886, MedGen C1848604, MONDO:0010171, OMIM 276904.

Submissions (5):

Genome-Nilou Lab
Classification: Benign for Usher syndrome type 1C. Last evaluated: 2021-07-10. Review status: criteria provided, single submitter. Criteria: ACMG Guidelines, 2015. Collection method: clinical testing. Allele origin: germline. Affected: no.

Genome-Nilou Lab
Classification: Benign for Autosomal recessive nonsyndromic hearing loss 18A. Last evaluated: 2021-07-10. Review status: criteria provided, single submitter. Criteria: ACMG Guidelines, 2015. Collection method: clinical testing. Allele origin: germline. Affected: no.

GeneDx
Classification: Benign. Last evaluated: 2018-06-14. Review status: criteria provided, single submitter. Criteria: GeneDx Variant Classification (06012015). Collection method: clinical testing. Allele origin: germline. Affected: yes.
Comment: This variant is considered likely benign or benign based on one or more of the following criteria: it is a conservative change, it occurs at a poorly conserved position in the protein, it is predicted to be benign by multiple in silico algorithms, and/or has population frequency not consistent with disease.

Breakthrough Genomics
Classification: Benign. Review status: criteria provided, single submitter. Criteria: ACMG Guidelines, 2015. Collection method: not provided. Allele origin: germline. Inheritance: Autosomal recessive inheritance. Affected: yes.

PreventionGenetics, part of Exact Sciences
Classification: Benign. Review status: criteria provided, single submitter. Criteria: ACMG Guidelines, 2015. Collection method: clinical testing. Allele origin: germline.

NM_153676.4(USH1C):c.496+33=

Gene: USH1C (USH1 protein network component harmonin; minus strand). Cytogenetic location: 11p15.1.
Variant type: single nucleotide variant.
Coding change: c.496+33= on transcript NM_153676.4 (MANE Select); 33 bases into the intron after coding-DNA position 496, no change from the reference sequence.
Molecular consequence: intron variant.
Genome position: GRCh38 VCF-style: chr11-17527190-C-C. GRCh37 (hg19) VCF-style: chr11-17548737-T-C.
Other names: c.496+33= (NM_001297764.2, NM_005709.4).
Identifiers: ClinVar variation 262736 (VCV000262736.6), dbSNP rs12795083.